The following is an entry in ClinVar:

NM_006231.4(POLE):c.4150-13G>A

Gene: POLE (DNA polymerase epsilon, catalytic subunit; minus strand). Cytogenetic location: 12q24.33.
Variant type: single nucleotide variant.
Coding change: c.4150-13G>A on transcript NM_006231.4 (MANE Select); 13 bases into the intron before coding-DNA position 4150, G replaced by A.
Molecular consequence: intron variant.
Genome position (GRCh38, 1-based): chr12:132,643,990, C>T on the plus strand (G>A on the coding strand, the complement: POLE is on the minus strand). VCF-style: chr12-132643990-C-T. GRCh37 (hg19) VCF-style: chr12-133220576-C-T.
Other names: c.4150-13G>A (NM_006231.3).
Identifiers: ClinVar variation 372067 (VCV000372067.12), dbSNP rs780409701, ClinGen allele CA16042128.
Genomic context (GRCh38, chr12:132,643,990, plus strand): 5'-CTCATAGAGATTGTAGACCATGTTGGAGCGAGGAAGGACCCGATTTACCTGGCGAGAATA[C>T]GACGATGATCTCGTCACTGGGCGTAAGTGGTAATGTCTGTGGTACACACACAAAGCACAC-3'

ClinVar aggregate classification (germline): Likely benign. Review status: criteria provided, multiple submitters, no conflicts (2 of 4 stars). 5 submissions from 5 submitters: Likely benign (4). 1 of the submissions does not count toward it. Last evaluated 2025-11-10.

Conditions:
Familial colorectal cancer type X. Identifiers: Orphanet 440437, MedGen C3896578, MONDO:0018604.
Colorectal cancer, susceptibility to, 12 (CRCS12). Also called: COLORECTAL CANCER, SUSCEPTIBILITY TO, ON CHROMOSOME 12q24. Identifiers: Orphanet 220460, MedGen C3554460, MONDO:0014038, OMIM 615083.

Allele frequency attached by ClinVar (database versions not stated): gnomAD 0.00001; TOPMed 0.00001.
gnomAD v4.1: 24 of 1,608,666 alleles (0.0015%); highest among the groups gnomAD compares: East Asian, 0.0022%; no homozygotes.

Submissions (5):

Labcorp Genetics (formerly Invitae), Labcorp
Classification: Likely benign. Last evaluated: 2025-11-10. Review status: criteria provided, single submitter. Criteria: Invitae Variant Classification Sherloc (09022015). Collection method: clinical testing. Allele origin: germline.

Blueprint Genetics
Classification: Likely benign. Last evaluated: 2020-10-28. Review status: criteria provided, single submitter. Criteria: ACMG Guidelines, 2015. Collection method: clinical testing. Allele origin: germline.

Department of Pathology and Laboratory Medicine, Sinai Health System
Classification: Likely benign for Familial colorectal cancer type X. Last evaluated: 2020-06-29. Review status: criteria provided, single submitter. Criteria: ACMG Guidelines, 2015. Collection method: clinical testing. Allele origin: germline. Affected: yes.

GeneDx
Classification: Likely benign. Last evaluated: 2017-06-30. Review status: criteria provided, single submitter. Criteria: GeneDx Variant Classification (06012015). Collection method: clinical testing. Allele origin: germline. Affected: yes.
Comment: This variant is considered likely benign or benign based on one or more of the following criteria: it is a conservative change, it occurs at a poorly conserved position in the protein, it is predicted to be benign by multiple in silico algorithms, and/or has population frequency not consistent with disease.

Counsyl
Classification: Likely benign for Colorectal cancer, susceptibility to, 12. Last evaluated: 2016-11-08. Review status: no assertion criteria provided. Collection method: clinical testing. Allele origin: unknown. Not counted in ClinVar's aggregate classification.